The following is an entry in ClinVar:

NM_001111125.3(IQSEC2):c.2221A>T (p.Ser741Cys)

Gene: IQSEC2 (IQ motif and Sec7 domain ArfGEF 2; minus strand). Cytogenetic location: Xp11.22.
Variant type: single nucleotide variant.
Coding change: c.2221A>T on transcript NM_001111125.3 (MANE Select); coding-DNA position 2221, A replaced by T.
Protein change: p.Ser741Cys; replaces serine 741 with cysteine.
Molecular consequence: missense variant.
Genome position (GRCh38, 1-based): chrX:53,250,355, T>A on the plus strand (A>T on the coding strand, the complement: IQSEC2 is on the minus strand). VCF-style: chrX-53250355-T-A. GRCh37 (hg19) VCF-style: chrX-53279537-T-A.
Other names: c.1606A>T, p.Ser536Cys (NM_015075.2); short protein forms S536C, S741C.
Identifiers: ClinVar variation 1402139 (VCV001402139.6), dbSNP rs2147096800, ClinGen allele CA413160001.

ClinVar aggregate classification (germline): Uncertain significance (1 of 4 stars; one submission).

Conditions:
Intellectual developmental disorder, X-linked 1. Also called: Atkin Flaitz Patil Smith syndrome; Intellectual disability, X-linked 1; MENTAL RETARDATION, X-LINKED 18; MENTAL RETARDATION, X-LINKED 78. Identifiers: Orphanet 777, MedGen C2931498, MONDO:0010656, OMIM 309530.

Submission:

Labcorp Genetics (formerly Invitae), Labcorp
Classification: Uncertain significance for Intellectual developmental disorder, X-linked 1. Last evaluated: 2022-07-05. Review status: criteria provided, single submitter. Criteria: Invitae Variant Classification Sherloc (09022015). Collection method: clinical testing. Allele origin: germline.
Comment: Algorithms developed to predict the effect of missense changes on protein structure and function are either unavailable or do not agree on the potential impact of this missense change (SIFT: "Deleterious"; PolyPhen-2: "Probably Damaging"; Align-GVGD: "Class C0"). In summary, the available evidence is currently insufficient to determine the role of this variant in disease. Therefore, it has been classified as a Variant of Uncertain Significance. ClinVar contains an entry for this variant (Variation ID: 1402139). This sequence change replaces serine, which is neutral and polar, with cysteine, which is neutral and slightly polar, at codon 741 of the IQSEC2 protein (p.Ser741Cys). This variant is not present in population databases (gnomAD no frequency). This variant has not been reported in the literature in individuals affected with IQSEC2-related conditions.